The following is an entry in ClinVar:

ClinVar aggregate classification (germline): Conflicting classifications of pathogenicity. Review status: criteria provided, conflicting classifications (1 of 4 stars). 5 submissions from 5 submitters: Uncertain significance (1); Likely benign (3). 1 of the submissions does not count toward it. Last evaluated 2026-01-25.

Conditions:
Corneal dystrophy. Identifiers: Orphanet 34533, MedGen C0010036, MONDO:0018102, HP:0001131.
SLC4A11-related disorder. Also called: SLC4A11-related condition.
Corneal dystrophy-perceptive deafness syndrome (CDPD). Also called: CORNEAL DYSTROPHY AND SENSORINEURAL DEAFNESS; HARBOYAN SYNDROME. Identifiers: Orphanet 1490, MedGen C1857572, MONDO:0009015, OMIM 217400.

Allele frequency attached by ClinVar (database versions not stated): gnomAD 0.00007; ESP Exome Variant Server 0.00008; ExAC 0.00009; TOPMed 0.00011.
gnomAD v4.1: 139 of 1,609,462 alleles (0.0086%); highest among the groups gnomAD compares: Middle Eastern, 0.15%; no homozygotes.

Submissions (5):

Labcorp Genetics (formerly Invitae), Labcorp
Classification: Likely benign. Last evaluated: 2026-01-25. Review status: criteria provided, single submitter. Criteria: Invitae Variant Classification Sherloc (09022015). Collection method: clinical testing. Allele origin: germline.

PreventionGenetics, part of Exact Sciences
Classification: Likely benign for SLC4A11-related condition. Last evaluated: 2025-12-16. Review status: criteria provided, single submitter. Criteria: ACMG Guidelines, 2015. Collection method: clinical testing. Allele origin: germline.
Comment: This variant is classified as likely benign based on ACMG/AMP sequence variant interpretation guidelines (Richards et al. 2015 PMID: 25741868, with internal and published modifications).

Blueprint Genetics
Classification: Likely benign. Last evaluated: 2024-07-22. Review status: criteria provided, single submitter. Criteria: ACMG Guidelines, 2015. Collection method: clinical testing. Allele origin: germline.

Illumina Laboratory Services, Illumina
Classification: Uncertain significance for Corneal dystrophy. Last evaluated: 2018-01-12. Review status: criteria provided, single submitter. Criteria: ICSL Variant Classification Criteria 13 December 2019. Collection method: clinical testing. Allele origin: germline.

Natera, Inc.
Classification: Uncertain significance for Harboyan syndrome. Last evaluated: 2020-03-17. Review status: no assertion criteria provided. Collection method: clinical testing. Allele origin: germline. Not counted in ClinVar's aggregate classification.

NM_001174089.2(SLC4A11):c.1959C>A (p.Ser653=)

Gene: SLC4A11 (solute carrier family 4 member 11; minus strand). Cytogenetic location: 20p13.
Variant type: single nucleotide variant.
Coding change: c.1959C>A on transcript NM_001174089.2 (MANE Select); coding-DNA position 1959, C replaced by A.
Protein change: p.Ser653=; no amino-acid change (serine 653 retained).
Molecular consequence: synonymous variant. On other transcripts: non-coding transcript variant (1).
Genome position (GRCh38, 1-based): chr20:3,229,154, G>T on the plus strand (C>A on the coding strand, the complement: SLC4A11 is on the minus strand). VCF-style: chr20-3229154-G-T. GRCh37 (hg19) VCF-style: chr20-3209800-G-T.
Other names: c.2088C>A, p.Ser696= (NM_001174090.2); c.1845C>A, p.Ser615= (NM_001363745.2); c.2007C>A, p.Ser669= (NM_032034.4).
Identifiers: ClinVar variation 747946 (VCV000747946.17), dbSNP rs140234175, ClinGen allele CA9741657.